The following is an entry in ClinVar:

ClinVar aggregate classification (germline): Uncertain significance. Review status: criteria provided, multiple submitters, no conflicts (2 of 4 stars). 3 submissions from 3 submitters: Uncertain significance (3). Last evaluated 2024-01-18.

Conditions:
Cystic fibrosis (CF). Also called: MUCOVISCIDOSIS. Identifiers: Orphanet 586, MedGen C0010674, MONDO:0009061, OMIM 219700. Disease mechanism: loss of function.

Allele frequency attached by ClinVar (database versions not stated): gnomAD 0.00001; gnomAD exomes 0.00001 and below 0.00001; 1000 Genomes Project 30x 0.00016; TOPMed 0.00001; 1000 Genomes Project 0.00020.
gnomAD v4.1: 4 of 1,611,884 alleles (0.00025%); highest among the groups gnomAD compares: East Asian, 0.0089%; no homozygotes.

Submissions (3):

Ambry Genetics
Classification: Uncertain significance for Cystic fibrosis. Last evaluated: 2024-01-18. Review status: criteria provided, single submitter. Criteria: Ambry Variant Classification Scheme 2023. Collection method: clinical testing. Allele origin: germline.
Comment: The p.V540I variant (also known as c.1618G>A), located in coding exon 12 of the CFTR gene, results from a G to A substitution at nucleotide position 1618. The valine at codon 540 is replaced by isoleucine, an amino acid with highly similar properties. This amino acid position is well conserved in available vertebrate species. In addition, the in silico prediction for this alteration is inconclusive. Based on the available evidence, the clinical significance of this alteration remains unclear.

Labcorp Genetics (formerly Invitae), Labcorp
Classification: Uncertain significance for Cystic fibrosis. Last evaluated: 2022-07-10. Review status: criteria provided, single submitter. Criteria: Invitae Variant Classification Sherloc (09022015). Collection method: clinical testing. Allele origin: germline.
Comment: This sequence change replaces valine, which is neutral and non-polar, with isoleucine, which is neutral and non-polar, at codon 540 of the CFTR protein (p.Val540Ile). This variant is present in population databases (rs187318937, gnomAD 0.006%). This variant has not been reported in the literature in individuals affected with CFTR-related conditions. ClinVar contains an entry for this variant (Variation ID: 801150). Algorithms developed to predict the effect of missense changes on protein structure and function output the following: SIFT: "Tolerated"; PolyPhen-2: "Benign"; Align-GVGD: "Class C0". The isoleucine amino acid residue is found in multiple mammalian species, which suggests that this missense change does not adversely affect protein function. In summary, the available evidence is currently insufficient to determine the role of this variant in disease. Therefore, it has been classified as a Variant of Uncertain Significance.

Quest Diagnostics Nichols Institute San Juan Capistrano
Classification: Uncertain significance. Last evaluated: 2019-02-12. Review status: criteria provided, single submitter. Criteria: Quest Diagnostics criteria. Collection method: clinical testing. Allele origin: germline.

NM_000492.4(CFTR):c.1618G>A (p.Val540Ile)

Genes: CFTR (CF transmembrane conductance regulator; plus strand), LOC111674475 (CFTR intron 11 enhancer; plus strand). Cytogenetic location: 7q31.2.
Variant type: single nucleotide variant.
Coding change: c.1618G>A on transcript NM_000492.4 (MANE Select); coding-DNA position 1618, G replaced by A.
Protein change: p.Val540Ile; replaces valine 540 with isoleucine.
Molecular consequence: missense variant.
Genome position (GRCh38, 1-based): chr7:117,587,772, G>A. VCF-style: chr7-117587772-G-A. GRCh37 (hg19) VCF-style: chr7-117227826-G-A.
Other names: short protein forms V540I.
Identifiers: ClinVar variation 801150 (VCV000801150.6), dbSNP rs187318937, ClinGen allele CA164944936.